The following is an entry in ClinVar:

ClinVar aggregate classification (germline): Conflicting classifications of pathogenicity. Review status: criteria provided, conflicting classifications (1 of 4 stars). 8 submissions from 7 submitters: Uncertain significance (1); Benign (3); Likely benign (4). Last evaluated 2026-02-04.

Conditions:
Cardiovascular phenotype. Identifiers: MedGen CN230736.
Hypoalphalipoproteinemia, primary, 1. Identifiers: Orphanet 425, MedGen C5231558, MONDO:0011393, OMIM 604091.
Tangier disease (TGD). Also called: HIGH DENSITY LIPOPROTEIN DEFICIENCY, TANGIER TYPE; HIGH DENSITY LIPOPROTEIN DEFICIENCY, TYPE 1; Cholesterol thesaurismosis. Identifiers: Orphanet 31150, MedGen C0039292, MONDO:0008783, OMIM 205400.

Allele frequency attached by ClinVar (database versions not stated): 1000 Genomes Project 30x 0.00031; 1000 Genomes Project 0.00040; ESP Exome Variant Server 0.00177; gnomAD 0.00184 and 0.00198; ExAC 0.00187; gnomAD exomes 0.00198 and 0.00246; TOPMed 0.00202.
gnomAD v4.1: 3,901 of 1,612,566 alleles (0.24%); highest among the groups gnomAD compares: Middle Eastern, 0.56%; 11 homozygotes.

Submissions (8):

Labcorp Genetics (formerly Invitae), Labcorp
Classification: Benign. Last evaluated: 2026-02-04. Review status: criteria provided, single submitter. Criteria: Invitae Variant Classification Sherloc (09022015). Collection method: clinical testing. Allele origin: germline.

CeGaT Center for Human Genetics Tuebingen
Classification: Likely benign. Last evaluated: 2025-04-01. Review status: criteria provided, single submitter. Criteria: CeGaT Center For Human Genetics Tuebingen Variant Classification Criteria Version 2. Collection method: clinical testing. Allele origin: germline. Affected: yes. Observed: 2 variant alleles.
Comment: ABCA1: BP4, BP7

Blueprint Genetics
Classification: Likely benign. Last evaluated: 2024-11-27. Review status: criteria provided, single submitter. Criteria: ACMG Guidelines, 2015. Collection method: clinical testing. Allele origin: germline.

Ambry Genetics
Classification: Likely benign for Cardiovascular phenotype. Last evaluated: 2023-05-24. Review status: criteria provided, single submitter. Criteria: Ambry Variant Classification Scheme 2023. Collection method: clinical testing. Allele origin: germline.

Women's Health and Genetics/Laboratory Corporation of America, LabCorp
Classification: Benign. Last evaluated: 2021-09-25. Review status: criteria provided, single submitter. Criteria: LabCorp Variant Classification Summary - May 2015. Collection method: clinical testing. Allele origin: germline.

GeneDx
Classification: Likely benign. Last evaluated: 2021-02-10. Review status: criteria provided, single submitter. Criteria: GeneDx Variant Classification Process June 2021. Collection method: clinical testing. Allele origin: germline. Affected: yes.
Comment: This variant is associated with the following publications: (PMID: 30333156)

Illumina Laboratory Services, Illumina
Classification: Benign for Hypoalphalipoproteinemia, primary, 1. Last evaluated: 2018-01-13. Review status: criteria provided, single submitter. Criteria: ICSL Variant Classification Criteria 13 December 2019. Collection method: clinical testing. Allele origin: germline.
Comment: This variant was observed in the ICSL laboratory as part of a predisposition screen in an ostensibly healthy population. It had not been previously curated by ICSL or reported in the Human Gene Mutation Database (HGMD: prior to June 1st, 2018), and was therefore a candidate for classification through an automated scoring system. Utilizing variant allele frequency, disease prevalence and penetrance estimates, and inheritance mode, an automated score was calculated to assess if this variant is too frequent to cause the disease. Based on the score and internal cut-off values, a variant classified as benign is not then subjected to further curation. The score for this variant resulted in a classification of benign for this disease.

Illumina Laboratory Services, Illumina
Classification: Uncertain significance for Tangier disease. Last evaluated: 2018-01-13. Review status: criteria provided, single submitter. Criteria: ICSL Variant Classification Criteria 13 December 2019. Collection method: clinical testing. Allele origin: germline.

NM_005502.4(ABCA1):c.5376C>T (p.Thr1792=)

Gene: ABCA1 (ATP binding cassette subfamily A member 1; minus strand). Cytogenetic location: 9q31.1.
Variant type: single nucleotide variant.
Coding change: c.5376C>T on transcript NM_005502.4 (MANE Select); coding-DNA position 5376, C replaced by T.
Protein change: p.Thr1792=; no amino-acid change (threonine 1792 retained).
Molecular consequence: synonymous variant.
Genome position (GRCh38, 1-based): chr9:104,796,059, G>A on the plus strand (C>T on the coding strand, the complement: ABCA1 is on the minus strand). VCF-style: chr9-104796059-G-A. GRCh37 (hg19) VCF-style: chr9-107558340-G-A.
Identifiers: ClinVar variation 364392 (VCV000364392.41), dbSNP rs13306077, ClinGen allele CA5167874.